The following is an entry in ClinVar:

ClinVar aggregate classification (germline): Conflicting classifications of pathogenicity. Review status: criteria provided, conflicting classifications (1 of 4 stars). 4 submissions from 4 submitters: Uncertain significance (1); Likely benign (3). Last evaluated 2025-09-25.

Conditions:
Inborn genetic diseases. Identifiers: MedGen C0950123, MeSH D030342.

Allele frequency attached by ClinVar (database versions not stated): gnomAD 0.00086 and 0.00078; 1000 Genomes Project 0.00100; TOPMed 0.00100; gnomAD exomes 0.00008 and 0.00019; ExAC 0.00023; ESP Exome Variant Server 0.00067; 1000 Genomes Project 30x 0.00078.
gnomAD v4.1: 231 of 1,601,022 alleles (0.014%); highest among the groups gnomAD compares: African/African-American, 0.29%; no homozygotes.

Submissions (4):

Labcorp Genetics (formerly Invitae), Labcorp
Classification: Likely benign. Last evaluated: 2025-09-25. Review status: criteria provided, single submitter. Criteria: Invitae Variant Classification Sherloc (09022015). Collection method: clinical testing. Allele origin: germline.

GeneDx
Classification: Uncertain significance. Last evaluated: 2024-09-23. Review status: criteria provided, single submitter. Criteria: GeneDx Variant Classification Process June 2021. Collection method: clinical testing. Allele origin: germline. Affected: yes.
Comment: In silico analysis supports that this missense variant has a deleterious effect on protein structure/function; Has not been previously published as pathogenic or benign to our knowledge

Women's Health and Genetics/Laboratory Corporation of America, LabCorp
Classification: Likely benign. Last evaluated: 2023-05-04. Review status: criteria provided, single submitter. Criteria: LabCorp Variant Classification Summary - May 2015. Collection method: clinical testing. Allele origin: germline.
Comment: Variant summary: MPDZ c.4421A>T (p.Asp1474Val) results in a non-conservative amino acid change in the encoded protein sequence. Three of five in-silico tools predict a damaging effect of the variant on protein function. The variant allele was found at a frequency of 0.00019 in 241802 control chromosomes, predominantly at a frequency of 0.003 within the African or African-American subpopulation in the gnomAD database. To our knowledge, no occurrence of c.4421A>T in individuals affected with Hydrocephalus, Nonsyndromic, Autosomal Recessive 2 and no experimental evidence demonstrating its impact on protein function have been reported. Three clinical diagnostic laboratories have submitted clinical-significance assessments for this variant to ClinVar after 2014 without evidence for independent evaluation and classified the variant as either likely benign (n=2) or VUS (n=1). Based on the evidence outlined above, the variant was classified as likely benign.

Ambry Genetics
Classification: Likely benign for Inborn genetic diseases. Last evaluated: 2021-09-16. Review status: criteria provided, single submitter. Criteria: Ambry Variant Classification Scheme 2023. Collection method: clinical testing. Allele origin: germline.

NM_001378778.1(MPDZ):c.4421A>T (p.Asp1474Val)

Gene: MPDZ (multiple PDZ domain crumbs cell polarity complex component; minus strand). Cytogenetic location: 9p23.
Variant type: single nucleotide variant.
Coding change: c.4421A>T on transcript NM_001378778.1 (MANE Select); coding-DNA position 4421, A replaced by T.
Protein change: p.Asp1474Val; replaces aspartic acid 1474 with valine.
Molecular consequence: missense variant.
Genome position (GRCh38, 1-based): chr9:13,133,867, T>A on the plus strand (A>T on the coding strand, the complement: MPDZ is on the minus strand). VCF-style: chr9-13133867-T-A. GRCh37 (hg19) VCF-style: chr9-13133866-T-A.
Other names: c.4322A>T, p.Asp1441Val (NM_001261406.2, NM_001261407.2, NM_001375416.1 and 3 more transcripts); c.4421A>T, p.Asp1474Val (NM_001330637.2, NM_003829.5); c.4520A>T, p.Asp1507Val (NM_001375413.1); c.4211A>T, p.Asp1404Val (NM_001375420.1, NM_001375421.1, NM_001375422.1 and 4 more transcripts); c.4013A>T, p.Asp1338Val (NM_001375427.1); c.4421A>T (NM_003829.3); short protein forms D1338V, D1404V, D1441V, D1474V, D1507V.
Identifiers: ClinVar variation 749025 (VCV000749025.16), dbSNP rs201277979, ClinGen allele CA4986715.
Genomic context (GRCh38, chr9:13,133,867, plus strand): 5'-ATTCAAAGCAGATTTACCTTGGGAAGCTCCAGATGTTGCACATTTTTAAATGAACTGAGG[T>A]CCACAGCTGCATCAGAAGTAGTAACAGTTGGCTCTGTCTGACAGAGGGAAAGAAATGACA-3'
Protein context (NP_001365707.1, residues 1464-1484): PTVTTSDAAV[Asp1474Val]LSSFKNVQHL